The following is an entry in ClinVar:

NM_001943.5(DSG2):c.2002-2A>G

Genes: DSG2 (desmoglein 2; plus strand), DSG2-AS1 (DSG2 antisense RNA 1; minus strand). Cytogenetic location: 18q12.1.
Variant type: single nucleotide variant.
Coding change: c.2002-2A>G on transcript NM_001943.5 (MANE Select); the canonical splice acceptor site of the intron before coding-DNA position 2002, A replaced by G.
Molecular consequence: splice acceptor variant.
Genome position (GRCh38, 1-based): chr18:31,542,518, A>G. VCF-style: chr18-31542518-A-G. GRCh37 (hg19) VCF-style: chr18-29122481-A-G.
Identifiers: ClinVar variation 4695153 (VCV004695153.1).

ClinVar aggregate classification (germline): Likely pathogenic (1 of 4 stars; one submission).

Conditions:
Arrhythmogenic right ventricular dysplasia 10. Also called: Arrhythmogenic Right Ventricular Dysplasia/Cardiomyopathy10; ARRHYTHMOGENIC RIGHT VENTRICULAR DYSPLASIA, FAMILIAL, 10; Arrhythmogenic right ventricular dysplasia/cardiomyopathy, type 10. Identifiers: MedGen C1857777, MONDO:0012434, OMIM 610193.

gnomAD v4.1: 1 of 1,613,752 alleles (0.000062%); highest among the groups gnomAD compares: Non-Finnish European, 0.000085%; no homozygotes.

Submission:

Labcorp Genetics (formerly Invitae), Labcorp
Classification: Likely pathogenic for Arrhythmogenic right ventricular dysplasia 10. Last evaluated: 2025-08-20. Review status: criteria provided, single submitter. Criteria: Invitae Variant Classification Sherloc (09022015). Collection method: clinical testing. Allele origin: germline.
Comment: This sequence change affects an acceptor splice site in intron 13 of the DSG2 gene. It is expected to disrupt RNA splicing. Variants that disrupt the donor or acceptor splice site typically lead to a loss of protein function (PMID: 16199547), and loss-of-function variants in DSG2 are known to be pathogenic (PMID: 17105751, 31386562). This variant is present in population databases (no rsID available, gnomAD 0.0009%). This variant has not been reported in the literature in individuals affected with DSG2-related conditions. Algorithms developed to predict the effect of sequence changes on RNA splicing suggest that this variant may disrupt the consensus splice site. In summary, the currently available evidence indicates that the variant is pathogenic, but additional data are needed to prove that conclusively. Therefore, this variant has been classified as Likely Pathogenic.

Literature cited by the submitters: PubMed 16199547; PubMed 17105751; PubMed 31386562.